The following is an entry in ClinVar:

ClinVar aggregate classification (germline): Uncertain significance (1 of 4 stars; one submission).

Submission:

Labcorp Genetics (formerly Invitae), Labcorp
Classification: Uncertain significance. Last evaluated: 2025-09-09. Review status: criteria provided, single submitter. Criteria: Invitae Variant Classification Sherloc (09022015). Collection method: clinical testing. Allele origin: germline.
Comment: This sequence change replaces arginine, which is basic and polar, with leucine, which is neutral and non-polar, at codon 1906 of the PIEZO2 protein (p.Arg1906Leu). Information on the frequency of this variant in the gnomAD database is not available, as this variant may be reported differently in the database. This variant has not been reported in the literature in individuals affected with PIEZO2-related conditions. An algorithm developed to predict the effect of missense changes on protein structure and function (PolyPhen-2) suggests that this variant is likely to be tolerated. In summary, the available evidence is currently insufficient to determine the role of this variant in disease. Therefore, it has been classified as a Variant of Uncertain Significance.

NM_001378183.1(PIEZO2):c.6056_6057delinsTT (p.Arg2019Leu)

Gene: PIEZO2 (piezo type mechanosensitive ion channel component 2; minus strand). Cytogenetic location: 18p11.22.
Variant type: Indel.
Coding change: c.6056_6057delinsTT on transcript NM_001378183.1 (MANE Select); coding-DNA positions 6056 to 6057, GA replaced by TT.
Protein change: p.Arg2019Leu; replaces arginine 2019 with leucine.
Molecular consequence: missense variant.
Genome position (GRCh38, 1-based): chr18:10,704,595-10,704,596, TC replaced by AA on the plus strand (GA replaced by TT on the coding strand, the reverse complement: PIEZO2 is on the minus strand). VCF-style: chr18-10704595-TC-AA. GRCh37 (hg19) VCF-style: chr18-10704593-TC-AA.
Other names: c.5792_5793delinsTT, p.Arg1931Leu (NM_001410871.1); c.5717_5718delinsTT, p.Arg1906Leu (NM_022068.4); short protein forms R1931L, R1906L, R2019L.
Identifiers: ClinVar variation 4703009 (VCV004703009.1).